The following is an entry in ClinVar:

NM_002335.4(LRP5):c.1804A>C (p.Thr602Pro)

Gene: LRP5 (LDL receptor related protein 5; plus strand). Cytogenetic location: 11q13.2.
Variant type: single nucleotide variant.
Coding change: c.1804A>C on transcript NM_002335.4 (MANE Select); coding-DNA position 1804, A replaced by C.
Protein change: p.Thr602Pro; replaces threonine 602 with proline.
Molecular consequence: missense variant.
Genome position (GRCh38, 1-based): chr11:68,406,526, A>C. VCF-style: chr11-68406526-A-C. GRCh37 (hg19) VCF-style: chr11-68173994-A-C.
Other names: c.61A>C, p.Thr21Pro (NM_001291902.2); short protein forms T21P, T602P.
Identifiers: ClinVar variation 2813531 (VCV002813531.3), dbSNP rs2496717596, ClinGen allele CA381615241.

ClinVar aggregate classification (germline): Uncertain significance (1 of 4 stars; one submission).

Submission:

Labcorp Genetics (formerly Invitae), Labcorp
Classification: Uncertain significance. Last evaluated: 2022-11-10. Review status: criteria provided, single submitter. Criteria: Invitae Variant Classification Sherloc (09022015). Collection method: clinical testing. Allele origin: germline.
Comment: In summary, the available evidence is currently insufficient to determine the role of this variant in disease. Therefore, it has been classified as a Variant of Uncertain Significance. Algorithms developed to predict the effect of missense changes on protein structure and function (SIFT, PolyPhen-2, Align-GVGD) all suggest that this variant is likely to be disruptive. This variant has not been reported in the literature in individuals affected with LRP5-related conditions. This variant is not present in population databases (gnomAD no frequency). This sequence change replaces threonine, which is neutral and polar, with proline, which is neutral and non-polar, at codon 602 of the LRP5 protein (p.Thr602Pro).